The following is an entry in ClinVar:

NM_203446.3(SYNJ1):c.1200+6A>C

Gene: SYNJ1 (synaptojanin 1; minus strand). Cytogenetic location: 21q22.11.
Variant type: single nucleotide variant.
Coding change: c.1200+6A>C on transcript NM_203446.3 (MANE Select); 6 bases into the intron after coding-DNA position 1200, A replaced by C.
Molecular consequence: intron variant.
Genome position (GRCh38, 1-based): chr21:32,684,032, T>G on the plus strand (A>C on the coding strand, the complement: SYNJ1 is on the minus strand). VCF-style: chr21-32684032-T-G. GRCh37 (hg19) VCF-style: chr21-34056342-T-G.
Other names: c.1317+6A>C (NM_003895.4); c.1200+6A>C (NM_001160302.2, NM_001160306.2).
Identifiers: ClinVar variation 1422275 (VCV001422275.4), dbSNP rs754273455, ClinGen allele CA10003952.

ClinVar aggregate classification (germline): Uncertain significance (1 of 4 stars; one submission).

Conditions:
Developmental and epileptic encephalopathy, 53. Also called: Epileptic encephalopathy, early infantile, 53. Identifiers: MedGen C4479313, MONDO:0033362, OMIM 617389.
Early-onset Parkinson disease 20. Also called: PARKINSON DISEASE 20, AUTOSOMAL RECESSIVE EARLY-ONSET. Identifiers: Orphanet 391411, MedGen C3809824, MONDO:0014233, OMIM 615530.

gnomAD v4.1: 18 of 1,613,078 alleles (0.0011%); highest among the groups gnomAD compares: Admixed American, 0.0033%; no homozygotes.

Submission:

Labcorp Genetics (formerly Invitae), Labcorp
Classification: Uncertain significance for Developmental and epileptic encephalopathy, 53; Early-onset Parkinson disease 20. Last evaluated: 2024-09-23. Review status: criteria provided, single submitter. Criteria: Invitae Variant Classification Sherloc (09022015). Collection method: clinical testing. Allele origin: germline.
Comment: This sequence change falls in intron 10 of the SYNJ1 gene. It does not directly change the encoded amino acid sequence of the SYNJ1 protein. It affects a nucleotide within the consensus splice site. This variant is present in population databases (rs754273455, gnomAD 0.006%). This variant has not been reported in the literature in individuals affected with SYNJ1-related conditions. ClinVar contains an entry for this variant (Variation ID: 1422275). Variants that disrupt the consensus splice site are a relatively common cause of aberrant splicing (PMID: 17576681, 9536098). Algorithms developed to predict the effect of sequence changes on RNA splicing suggest that this variant is not likely to affect RNA splicing. In summary, the available evidence is currently insufficient to determine the role of this variant in disease. Therefore, it has been classified as a Variant of Uncertain Significance.

Literature cited by the submitters: PubMed 17576681; PubMed 9536098.